The following is an entry in ClinVar:

NM_006846.4(SPINK5):c.776C>A (p.Ala259Asp)

Gene: SPINK5 (serine peptidase inhibitor Kazal type 5; plus strand). Cytogenetic location: 5q32.
Variant type: single nucleotide variant.
Coding change: c.776C>A on transcript NM_006846.4 (MANE Select); coding-DNA position 776, C replaced by A.
Protein change: p.Ala259Asp; replaces alanine 259 with aspartic acid.
Molecular consequence: missense variant.
Genome position (GRCh38, 1-based): chr5:148,094,463, C>A. VCF-style: chr5-148094463-C-A. GRCh37 (hg19) VCF-style: chr5-147474026-C-A.
Other names: c.776C>A, p.Ala259Asp (NM_001127698.2, NM_001127699.2); short protein forms A259D.
Identifiers: ClinVar variation 1515866 (VCV001515866.3), dbSNP rs373819431, ClinGen allele CA3495344.

ClinVar aggregate classification (germline): Uncertain significance (1 of 4 stars; one submission).

Conditions:
Netherton syndrome (NETH). Also called: COMEL-NETHERTON SYNDROME; ERYTHRODERMA, ICHTHYOSIFORM, WITH HYPOTRICHOSIS AND HYPER-IgE; NETHERTON DISEASE. Identifiers: Orphanet 634, MedGen C5574950, MONDO:0009735, OMIM 256500.

gnomAD v4.1: 18 of 1,612,516 alleles (0.0011%); highest among the groups gnomAD compares: African/African-American, 0.0027%; no homozygotes.

Submission:

Labcorp Genetics (formerly Invitae), Labcorp
Classification: Uncertain significance for Ichthyosis linearis circumflexa. Last evaluated: 2021-11-11. Review status: criteria provided, single submitter. Criteria: Invitae Variant Classification Sherloc (09022015). Collection method: clinical testing. Allele origin: germline.
Comment: This sequence change replaces alanine, which is neutral and non-polar, with aspartic acid, which is acidic and polar, at codon 259 of the SPINK5 protein (p.Ala259Asp). This variant is present in population databases (rs373819431, gnomAD 0.002%). This variant has not been reported in the literature in individuals affected with SPINK5-related conditions. Algorithms developed to predict the effect of missense changes on protein structure and function are either unavailable or do not agree on the potential impact of this missense change (SIFT: "Deleterious"; PolyPhen-2: "Probably Damaging"; Align-GVGD: "Class C15"). In summary, the available evidence is currently insufficient to determine the role of this variant in disease. Therefore, it has been classified as a Variant of Uncertain Significance.